The following is an entry in ClinVar:

NM_000787.4(DBH):c.62T>C (p.Met21Thr)

Gene: DBH (dopamine beta-hydroxylase; plus strand). Cytogenetic location: 9q34.2.
Variant type: single nucleotide variant.
Coding change: c.62T>C on transcript NM_000787.4 (MANE Select); coding-DNA position 62, T replaced by C.
Protein change: p.Met21Thr; replaces methionine 21 with threonine.
Molecular consequence: missense variant.
Genome position (GRCh38, 1-based): chr9:133,636,433, T>C. VCF-style: chr9-133636433-T-C. GRCh37 (hg19) VCF-style: chr9-136501555-T-C.
Other names: short protein forms M21T.
Identifiers: ClinVar variation 1474963 (VCV001474963.6), dbSNP rs770621845, ClinGen allele CA5312940.
Genomic context (GRCh38, chr9:133,636,433, plus strand): 5'-TGCCCGCCCTCAGTCGCTGGGCCAGCCTGCCCGGCCCCAGCATGCGGGAGGCAGCCTTCA[T>C]GTACAGCACAGCAGTGGCCATCTTCCTGGTCATCCTGGTGGCCGCACTGCAGGGCTCGGC-3'
Protein context (NP_000778.3, residues 11-31): PGPSMREAAF[Met21Thr]YSTAVAIFLV

ClinVar aggregate classification (germline): Uncertain significance (1 of 4 stars; one submission).

Conditions:
Orthostatic hypotension 1 (ORTHYP1). Also called: NORADRENALINE DEFICIENCY; NOREPINEPHRINE DEFICIENCY; Dopamine beta-hydroxylase deficiency; Orthostatic hypotension 1, due to DBH deficiency. Identifiers: Orphanet 230, MedGen C4746777, MONDO:0009123, OMIM 223360.

Allele frequency attached by ClinVar (database versions not stated): gnomAD 0.00001; gnomAD exomes 0.00001 and 0.00002; ExAC 0.00002; TOPMed 0.00002.
gnomAD v4.1: 12 of 1,612,766 alleles (0.00074%); highest among the groups gnomAD compares: Non-Finnish European, 0.00085%; no homozygotes.

Submission:

Labcorp Genetics (formerly Invitae), Labcorp
Classification: Uncertain significance for Orthostatic hypotension 1. Last evaluated: 2021-09-25. Review status: criteria provided, single submitter. Criteria: Invitae Variant Classification Sherloc (09022015). Collection method: clinical testing. Allele origin: germline.
Comment: This variant is present in population databases (rs770621845, ExAC 0.003%). This sequence change replaces methionine with threonine at codon 21 of the DBH protein (p.Met21Thr). The methionine residue is moderately conserved and there is a moderate physicochemical difference between methionine and threonine. This variant has not been reported in the literature in individuals affected with DBH-related conditions. In summary, the available evidence is currently insufficient to determine the role of this variant in disease. Therefore, it has been classified as a Variant of Uncertain Significance. Algorithms developed to predict the effect of missense changes on protein structure and function are either unavailable or do not agree on the potential impact of this missense change (SIFT: "Deleterious"; PolyPhen-2: "Benign"; Align-GVGD: "Class C0").